The following is an entry in ClinVar:

ClinVar aggregate classification (germline): Likely pathogenic (1 of 4 stars; one submission).

Submission:

Labcorp Genetics (formerly Invitae), Labcorp
Classification: Likely pathogenic. Last evaluated: 2021-07-06. Review status: criteria provided, single submitter. Criteria: Invitae Variant Classification Sherloc (09022015). Collection method: clinical testing. Allele origin: germline.
Comment: This variant has not been reported in the literature in individuals affected with COL7A1-related conditions. In summary, the currently available evidence indicates that the variant is pathogenic, but additional data are needed to prove that conclusively. Therefore, this variant has been classified as Likely Pathogenic. Algorithms developed to predict the effect of sequence changes on RNA splicing suggest that this variant may disrupt the consensus splice site. This variant is not present in population databases (ExAC no frequency). This variant results in the deletion of part of exon 104 including the intron 104 donor splice site of the COL7A1 gene. Variants that disrupt the donor or acceptor splice site typically lead to a loss of protein function (PMID: 16199547), and loss-of-function variants in COL7A1 are known to be disease-causing for autosomal recessive dystrophic epidermolysis bullosa (PMID: 16971478). However, certain variants affecting donor or acceptor splice sites in the triple helical domain of COL7A1 are expected to result in in-frame exon skipping and have been reported to cause autosomal dominant dystrophic epidermolysis bullosa (PMID: 31670143).

Literature cited by the submitters: PubMed 16199547; PubMed 16971478; PubMed 31670143.

NM_000094.4(COL7A1):c.7789_7794+2del

Gene: COL7A1 (collagen type VII alpha 1 chain; minus strand). Cytogenetic location: 3p21.31.
Variant type: Deletion.
Coding change: c.7789_7794+2del on transcript NM_000094.4 (MANE Select); coding-DNA position 7789 through the canonical splice donor site of the intron after coding-DNA position 7794, 8 bases deleted (GACCCGGT; older notation c.7789_7794+2delGACCCGGT).
Molecular consequence: splice donor variant.
Genome position (GRCh38, 1-based): chr3:48,568,497-48,568,504, ACCGGGTC deleted on the plus strand (GACCCGGT on the coding strand, the reverse complement: COL7A1 is on the minus strand); deleting any 8 consecutive bases within chr3:48,568,497-48,568,507 gives the same sequence; the c. name uses the placement nearest the transcript's 3' end. VCF-style (leftmost placement, unchanged base first): chr3-48568496-TACCGGGTC-T. GRCh37 (hg19) VCF-style: chr3-48605929-TACCGGGTC-T.
Identifiers: ClinVar variation 1517974 (VCV001517974.6), dbSNP rs2107638414, ClinGen allele CA2573137113.